The following is an entry in ClinVar:

ClinVar aggregate classification (germline): Pathogenic (1 of 4 stars; one submission).

Submission:

Labcorp Genetics (formerly Invitae), Labcorp
Classification: Pathogenic. Last evaluated: 2022-08-17. Review status: criteria provided, single submitter. Criteria: Invitae Variant Classification Sherloc (09022015). Collection method: clinical testing. Allele origin: germline.
Comment: For these reasons, this variant has been classified as Pathogenic. ClinVar contains an entry for this variant (Variation ID: 1425963). This variant has not been reported in the literature in individuals affected with ALPL-related conditions. This variant is not present in population databases (gnomAD no frequency). This sequence change creates a premature translational stop signal (p.Tyr388*) in the ALPL gene. It is expected to result in an absent or disrupted protein product. Loss-of-function variants in ALPL are known to be pathogenic (PMID: 3174660, 10679946, 32973344, 33814268).

Literature cited by the submitters: PubMed 3174660; PubMed 10679946; PubMed 32973344; PubMed 33814268.

NM_000478.6(ALPL):c.1164C>A (p.Tyr388Ter)

Gene: ALPL (alkaline phosphatase, biomineralization associated; plus strand). Cytogenetic location: 1p36.12.
Variant type: single nucleotide variant.
Coding change: c.1164C>A on transcript NM_000478.6 (MANE Select); coding-DNA position 1164, C replaced by A.
Protein change: p.Tyr388Ter; replaces tyrosine 388 with a stop codon.
Molecular consequence: nonsense.
Genome position (GRCh38, 1-based): chr1:21,575,899, C>A. VCF-style: chr1-21575899-C-A. GRCh37 (hg19) VCF-style: chr1-21902392-C-A.
Other names: c.999C>A, p.Tyr333Ter (NM_001127501.4); c.933C>A, p.Tyr311Ter (NM_001177520.3); c.1164C>A, p.Tyr388Ter (NM_001369803.2, NM_001369804.2, NM_001369805.2); short protein forms Y311*, Y333*, Y388*.
Identifiers: ClinVar variation 1425963 (VCV001425963.6), dbSNP rs2148190118, ClinGen allele CA338881459.